The following is an entry in ClinVar:

ClinVar aggregate classification (germline): Uncertain significance (1 of 4 stars; one submission).

Conditions:
Ehlers-Danlos syndrome, classic type, 1 (EDSCL1). Also called: EHLERS-DANLOS SYNDROME, GRAVIS TYPE; EHLERS-DANLOS SYNDROME, SEVERE CLASSIC TYPE; Ehlers-Danlos syndrome, type 1; Ehlers-Danlos Syndrome, Classic Type, COL5A1-Related; EDS I. Identifiers: MedGen C0268335, MONDO:0019567, OMIM 130000.

Submission:

Labcorp Genetics (formerly Invitae), Labcorp
Classification: Uncertain significance for Ehlers-Danlos syndrome, classic type, 1. Last evaluated: 2025-11-18. Review status: criteria provided, single submitter. Criteria: Invitae Variant Classification Sherloc (09022015). Collection method: clinical testing. Allele origin: germline.
Comment: This sequence change replaces aspartic acid, which is acidic and polar, with asparagine, which is neutral and polar, at codon 1241 of the COL5A2 protein (p.Asp1241Asn). Information on the frequency of this variant in the gnomAD database is not available, as this variant may be reported differently in the database. This variant has not been reported in the literature in individuals affected with COL5A2-related conditions. Experimental studies and prediction algorithms are not available or were not evaluated, and the functional significance of this variant is currently unknown. In summary, the available evidence is currently insufficient to determine the role of this variant in disease. Therefore, it has been classified as a Variant of Uncertain Significance.

NM_000393.5(COL5A2):c.3720_3721inv (p.Asp1241Asn)

Gene: COL5A2 (collagen type V alpha 2 chain; minus strand). Cytogenetic location: 2q32.2.
Variant type: Inversion.
Coding change: c.3720_3721inv on transcript NM_000393.5 (MANE Select).
Protein change: p.Asp1241Asn; replaces aspartic acid 1241 with asparagine.
Molecular consequence: missense variant.
Genome position: GRCh38 VCF-style: chr2-189039476-CA-TG. GRCh37 (hg19) VCF-style: chr2-189904202-CA-TG.
Other names: short protein forms D1241N.
Identifiers: ClinVar variation 4772166 (VCV004772166.1).
Genomic context (GRCh38, chr2:189,039,476, plus strand): 5'-TGTCATCAGGAGCCGCCTGATCTTCAGTAAACTCAGGAAGTGGATCTGGCATGCTTTCAT[CA>TG]TAGTGCCCCATGATATCCCCAAGAGCAGCTGTAAGGTGGCCAGGGGGACCCGGAGGGCCA-3'
Protein context (NP_000384.2, residues 1231-1251): AALGDIMGHY[Asp1241Asn]ESMPDPLPEF